The following is an entry in ClinVar:

NM_001844.5(COL2A1):c.737G>T (p.Gly246Val)

Gene: COL2A1 (collagen type II alpha 1 chain; minus strand). Cytogenetic location: 12q13.11.
Variant type: single nucleotide variant.
Coding change: c.737G>T on transcript NM_001844.5 (MANE Select); coding-DNA position 737, G replaced by T.
Protein change: p.Gly246Val; replaces glycine 246 with valine.
Molecular consequence: missense variant.
Genome position (GRCh38, 1-based): chr12:47,995,280, C>A on the plus strand (G>T on the coding strand, the complement: COL2A1 is on the minus strand). VCF-style: chr12-47995280-C-A. GRCh37 (hg19) VCF-style: chr12-48389063-C-A.
Other names: c.737G>T (NM_001844.4); c.530G>T, p.Gly177Val (NM_033150.3); short protein forms G177V, G246V.
Identifiers: ClinVar variation 1685653 (VCV001685653.2), dbSNP rs2136616311, ClinGen allele CA384523264.

ClinVar aggregate classification (germline): Pathogenic/Likely pathogenic. Review status: criteria provided, multiple submitters, no conflicts (2 of 4 stars). 2 submissions from 2 submitters: Pathogenic (1); Likely pathogenic (1). Last evaluated 2025-07-02.

Conditions:
Stickler syndrome type 1 (STL1). Also called: STICKLER SYNDROME, MEMBRANOUS VITREOUS TYPE; STICKLER SYNDROME, VITREOUS TYPE 1; ARTHROOPHTHALMOPATHY, HEREDITARY PROGRESSIVE; COL2A1-Related Stickler Syndrome. Identifiers: Orphanet 828, Orphanet 90653, MedGen C2020284, MONDO:0007160, OMIM 108300.
COL2A1-related disorder. Also called: COL2A1-related condition; COL2A1-related disorders.

Submissions (2):

PreventionGenetics, part of Exact Sciences
Classification: Likely pathogenic for COL2A1-related condition. Last evaluated: 2025-07-02. Review status: criteria provided, single submitter. Criteria: ACMG Guidelines, 2015. Collection method: clinical testing. Allele origin: germline.
Comment: The COL2A1 c.737G>T variant is predicted to result in the amino acid substitution p.Gly246Val. To our knowledge, this variant has not been reported in the literature or in a large population database (gnomAD), indicating this variant is rare. Two alternate missense changes at this same amino acid position have been reported as de novo findings in patients with COL2A1 related conditions (Xu et al. 2020. PubMed ID: 32071555; Zhou. 2022. PubMed ID: 35982159). Additionally, this variant affects a Gly residue of the conserved triple helical region from amino acids 201-1214. Glycine substitutions in the triple helical region of COL2A1are expected to be pathogenic (Barat-Houari et al. 2016. PubMed ID: 26626311). This variant is interpreted as likely pathogenic.

Mendelics
Classification: Pathogenic for Stickler syndrome type 1. Last evaluated: 2022-05-04. Review status: criteria provided, single submitter. Criteria: Mendelics Assertion Criteria 2019. Collection method: clinical testing. Allele origin: germline.